The following is an entry in ClinVar:

NM_013266.4(CTNNA3):c.1172A>T (p.Asp391Val)

Gene: CTNNA3 (catenin alpha 3; minus strand). Cytogenetic location: 10q21.3.
Variant type: single nucleotide variant.
Coding change: c.1172A>T on transcript NM_013266.4 (MANE Select); coding-DNA position 1172, A replaced by T.
Protein change: p.Asp391Val; replaces aspartic acid 391 with valine.
Molecular consequence: missense variant.
Genome position (GRCh38, 1-based): chr10:66,766,373, T>A on the plus strand (A>T on the coding strand, the complement: CTNNA3 is on the minus strand). VCF-style: chr10-66766373-T-A. GRCh37 (hg19) VCF-style: chr10-68526131-T-A.
Other names: c.1172A>T, p.Asp391Val (NM_001127384.3); c.1172A>T (NM_013266.2); short protein forms D391V.
Identifiers: ClinVar variation 1346779 (VCV001346779.9), dbSNP rs772157953, ClinGen allele CA5520035.

ClinVar aggregate classification (germline): Uncertain significance. Review status: criteria provided, multiple submitters, no conflicts (2 of 4 stars). 2 submissions from 2 submitters: Uncertain significance (2). Last evaluated 2026-02-03.

Conditions:
Arrhythmogenic right ventricular dysplasia 13. Also called: Arrhythmogenic right ventricular dysplasia, familial, 13; ARRHYTHMOGENIC RIGHT VENTRICULAR CARDIOMYOPATHY 13. Identifiers: MedGen C3810138, MONDO:0000908, OMIM 615616.

Allele frequency attached by ClinVar (database versions not stated): gnomAD exomes below 0.00001; TOPMed below 0.00001; ExAC 0.00001; gnomAD 0.00001.
gnomAD v4.1: 4 of 1,613,582 alleles (0.00025%); highest among the groups gnomAD compares: African/African-American, 0.0053%; no homozygotes.

Submissions (2):

Labcorp Genetics (formerly Invitae), Labcorp
Classification: Uncertain significance for Arrhythmogenic right ventricular dysplasia 13. Last evaluated: 2026-02-03. Review status: criteria provided, single submitter. Criteria: Invitae Variant Classification Sherloc (09022015). Collection method: clinical testing. Allele origin: germline.
Comment: This sequence change replaces aspartic acid, which is acidic and polar, with valine, which is neutral and non-polar, at codon 391 of the CTNNA3 protein (p.Asp391Val). This variant is present in population databases (rs772157953, gnomAD 0.007%). This variant has not been reported in the literature in individuals affected with CTNNA3-related conditions. ClinVar contains an entry for this variant (Variation ID: 1346779). Invitae Evidence Modeling of protein sequence and biophysical properties (such as structural, functional, and spatial information, amino acid conservation, physicochemical variation, residue mobility, and thermodynamic stability) indicates that this missense variant is expected to disrupt CTNNA3 protein function with a positive predictive value of 80%. In summary, the available evidence is currently insufficient to determine the role of this variant in disease. Therefore, it has been classified as a Variant of Uncertain Significance.

Ambry Genetics
Classification: Uncertain significance. Last evaluated: 2022-11-30. Review status: criteria provided, single submitter. Criteria: Ambry Variant Classification Scheme 2023. Collection method: clinical testing. Allele origin: germline.